The following is an entry in ClinVar:

ClinVar aggregate classification (germline): Pathogenic/Likely pathogenic. Review status: criteria provided, multiple submitters, no conflicts (2 of 4 stars). 3 submissions from 3 submitters: Pathogenic (1); Likely pathogenic (2). Last evaluated 2024-06-19.

Conditions:
Acute infantile liver failure due to synthesis defect of mtDNA-encoded proteins. Also called: TRMU Deficiency; LIVER FAILURE, INFANTILE, TRANSIENT; Liver failure acute infantile. Identifiers: Orphanet 217371, MedGen C3278664, MONDO:0013111, OMIM 613070.
Aminoglycoside-induced deafness. Also called: MT-RNR1-Related Hearing Loss and Deafness; STREPTOMYCIN OTOTOXICITY; DEAFNESS, STREPTOMYCIN-INDUCED. Identifiers: Orphanet 168609, MedGen C1838854, MONDO:0010799, OMIM 580000.

Submissions (3):

Natera, Inc.
Classification: Likely pathogenic for Acute infantile liver failure due to synthesis defect of mtDNA-encoded proteins. Last evaluated: 2024-06-19. Review status: criteria provided, single submitter. Criteria: Natera Variant Classification Schema (03/2026). Collection method: clinical testing. Allele origin: germline.
Comment: The c.397del variant in TRMU is a frameshift variant predicted to shift the reading frame beginning at codon 133 and leads to a stop codon 29 codons downstream. This variant is expected to result in nonsense mediated decay, truncation, or a dysfunctional protein product. This variant is rare in the general population with a frequency below the threshold expected for the associated phenotype(s). Given the available evidence, this variant is classified as Likely Pathogenic.

Labcorp Genetics (formerly Invitae), Labcorp
Classification: Pathogenic. Last evaluated: 2024-02-22. Review status: criteria provided, single submitter. Criteria: Invitae Variant Classification Sherloc (09022015). Collection method: clinical testing. Allele origin: germline.
Comment: This sequence change creates a premature translational stop signal (p.Leu133Trpfs*29) in the TRMU gene. It is expected to result in an absent or disrupted protein product. Loss-of-function variants in TRMU are known to be pathogenic (PMID: 19732863, 23625533). This variant is not present in population databases (gnomAD no frequency). This variant has not been reported in the literature in individuals affected with TRMU-related conditions. ClinVar contains an entry for this variant (Variation ID: 2130554). For these reasons, this variant has been classified as Pathogenic.

Baylor Genetics
Classification: Likely pathogenic for Aminoglycoside-induced deafness. Last evaluated: 2022-12-28. Review status: criteria provided, single submitter. Criteria: ACMG Guidelines, 2015. Collection method: clinical testing. Allele origin: unknown.

Literature cited by the submitters: PubMed 19732863 (cited by Labcorp Genetics (formerly Invitae), Labcorp); PubMed 23625533 (cited by Labcorp Genetics (formerly Invitae), Labcorp).

NM_018006.5(TRMU):c.397del (p.Leu133fs)

Gene: TRMU (tRNA mitochondrial 2-thiouridylase; plus strand). Cytogenetic location: 22q13.31.
Variant type: Deletion.
Coding change: c.397del on transcript NM_018006.5 (MANE Select); coding-DNA position 397, one base deleted (C; older notation c.397delC).
Protein change: p.Leu133fs; shifts the reading frame from leucine 133.
Molecular consequence: frameshift variant. On other transcripts: non-coding transcript variant (2).
Genome position (GRCh38, 1-based): chr22:46,346,463, C deleted; the last of 3 consecutive C bases (chr22:46,346,461-46,346,463); deleting any one gives the same sequence. VCF-style (leftmost placement, unchanged base first): chr22-46346460-TC-T. GRCh37 (hg19) VCF-style: chr22-46742357-TC-T.
Other names: c.397delC, p.Leu133Trpfs (NM_001008568.2); c.290delC, p.Pro97Leufs (NM_001008570.2); c.55del, p.Leu19fs (NM_001282782.2); c.36del, p.Trp13fs (NM_001282783.2, NM_001282784.2); c.397del, p.Leu133fs (NM_001282785.2); c.397del (NM_018006.4); short protein forms L19fs, W13fs, L133fs.
Identifiers: ClinVar variation 2130554 (VCV002130554.6), dbSNP rs2518162180, ClinGen allele CA2580099888.